The following is an entry in ClinVar:

NM_001128840.3(CACNA1D):c.4695C>A (p.Asn1565Lys)

Gene: CACNA1D (calcium voltage-gated channel subunit alpha1 D; plus strand). Cytogenetic location: 3p21.1.
Variant type: single nucleotide variant.
Coding change: c.4695C>A on transcript NM_001128840.3 (MANE Select); coding-DNA position 4695, C replaced by A.
Protein change: p.Asn1565Lys; replaces asparagine 1565 with lysine.
Molecular consequence: missense variant.
Genome position (GRCh38, 1-based): chr3:53,781,570, C>A. VCF-style: chr3-53781570-C-A. GRCh37 (hg19) VCF-style: chr3-53815597-C-A.
Other names: c.4755C>A, p.Asn1585Lys (NM_000720.4); c.4650C>A, p.Asn1550Lys (NM_001128839.3); short protein forms N1550K, N1565K, N1585K.
Identifiers: ClinVar variation 1408628 (VCV001408628.6), dbSNP rs1440651528, ClinGen allele CA353245755.

ClinVar aggregate classification (germline): Uncertain significance (1 of 4 stars; one submission).

Allele frequency attached by ClinVar (database versions not stated): TOPMed below 0.00001; gnomAD 0.00001; gnomAD exomes 0.00001.
gnomAD v4.1: 21 of 1,611,362 alleles (0.0013%); highest among the groups gnomAD compares: Non-Finnish European, 0.0017%; no homozygotes.

Submission:

Labcorp Genetics (formerly Invitae), Labcorp
Classification: Uncertain significance. Last evaluated: 2025-12-24. Review status: criteria provided, single submitter. Criteria: Invitae Variant Classification Sherloc (09022015). Collection method: clinical testing. Allele origin: germline.
Comment: This sequence change replaces asparagine, which is neutral and polar, with lysine, which is basic and polar, at codon 1585 of the CACNA1D protein (p.Asn1585Lys). This variant is not present in population databases (gnomAD no frequency). This variant has not been reported in the literature in individuals affected with CACNA1D-related conditions. ClinVar contains an entry for this variant (Variation ID: 1408628). Invitae Evidence Modeling of protein sequence and biophysical properties (such as structural, functional, and spatial information, amino acid conservation, physicochemical variation, residue mobility, and thermodynamic stability) indicates that this missense variant is not expected to disrupt CACNA1D protein function with a negative predictive value of 80%. In summary, the available evidence is currently insufficient to determine the role of this variant in disease. Therefore, it has been classified as a Variant of Uncertain Significance.